The following is an entry in ClinVar:

NM_030913.6(SEMA6C):c.1759+374G>C

Gene: SEMA6C (semaphorin 6C; minus strand). Cytogenetic location: 1q21.3.
Variant type: single nucleotide variant.
Coding change: c.1759+374G>C on transcript NM_030913.6 (MANE Select); 374 bases into the intron after coding-DNA position 1759, G replaced by C.
Molecular consequence: intron variant. On other transcripts: synonymous variant (2).
Genome position (GRCh38, 1-based): chr1:151,134,027, C>G on the plus strand (G>C on the coding strand, the complement: SEMA6C is on the minus strand). VCF-style: chr1-151134027-C-G. GRCh37 (hg19) VCF-style: chr1-151106503-C-G.
Other names: c.1788G>C, p.Gly596= (NM_001178061.3); c.1668G>C, p.Gly556= (NM_001178062.3).
Identifiers: ClinVar variation 4987794 (VCV004987794.1).
Genomic context (GRCh38, chr1:151,134,027, plus strand): 5'-GTGAACTCCAAGAGTGGAAGACTGGGGCCGGGGGTGGGCATCACTGGGAGGACTGGGGGT[C>G]CCAGGGGAAGGGCCAGGACCCGGAAGCACTGGTGGCAGAGACCAGGTCAGAGCCAGTGAG-3'

ClinVar aggregate classification (germline): Likely benign (1 of 4 stars; one submission).

Conditions:
SEMA6C-related condition.

Submission:

PreventionGenetics, part of Exact Sciences
Classification: Likely benign for SEMA6C-related condition. Last evaluated: 2026-03-06. Review status: criteria provided, single submitter. Criteria: ACMG Guidelines, 2015. Collection method: clinical testing. Allele origin: germline.
Comment: This variant is classified as likely benign based on ACMG/AMP sequence variant interpretation guidelines (Richards et al. 2015 PMID: 25741868, with internal and published modifications).